The following is an entry in ClinVar:

ClinVar aggregate classification (germline): Uncertain significance (1 of 4 stars; one submission).

Conditions:
DOCK2 deficiency. Also called: Immunodeficiency 40. Identifiers: Orphanet 447737, MedGen C4225328, MONDO:0014637, OMIM 616433.

Allele frequency attached by ClinVar (database versions not stated): gnomAD exomes below 0.00001; ExAC 0.00001.
gnomAD v4.1: 4 of 1,613,508 alleles (0.00025%); highest among the groups gnomAD compares: Non-Finnish European, 0.00034%; no homozygotes.

Submission:

Labcorp Genetics (formerly Invitae), Labcorp
Classification: Uncertain significance for DOCK2 deficiency. Last evaluated: 2022-02-05. Review status: criteria provided, single submitter. Criteria: Invitae Variant Classification Sherloc (09022015). Collection method: clinical testing. Allele origin: germline.
Comment: This variant is present in population databases (rs773407433, gnomAD 0.0009%). This sequence change falls in intron 39 of the DOCK2 gene. It does not directly change the encoded amino acid sequence of the DOCK2 protein. It affects a nucleotide within the consensus splice site. This variant has not been reported in the literature in individuals affected with DOCK2-related conditions. Variants that disrupt the consensus splice site are a relatively common cause of aberrant splicing (PMID: 17576681, 9536098). Algorithms developed to predict the effect of sequence changes on RNA splicing suggest that this variant is not likely to affect RNA splicing. In summary, the available evidence is currently insufficient to determine the role of this variant in disease. Therefore, it has been classified as a Variant of Uncertain Significance.

Literature cited by the submitters: PubMed 17576681; PubMed 9536098.

NM_004946.3(DOCK2):c.3967-3T>C

Gene: DOCK2 (dedicator of cytokinesis 2; plus strand). Cytogenetic location: 5q35.1.
Variant type: single nucleotide variant.
Coding change: c.3967-3T>C on transcript NM_004946.3 (MANE Select); 3 bases into the intron before coding-DNA position 3967, T replaced by C.
Molecular consequence: intron variant.
Genome position (GRCh38, 1-based): chr5:170,047,507, T>C. VCF-style: chr5-170047507-T-C. GRCh37 (hg19) VCF-style: chr5-169474511-T-C.
Identifiers: ClinVar variation 1950311 (VCV001950311.5), dbSNP rs773407433, ClinGen allele CA3554400.